The following is an entry in ClinVar:

ClinVar aggregate classification (germline): Likely pathogenic (1 of 4 stars; one submission).

Conditions:
Brody myopathy. Also called: BRODY DISEASE. Identifiers: Orphanet 53347, MedGen C1832918, MONDO:0010977, OMIM 601003.

Submission:

First Genomix Gene Laboratory, Genetic Diagnostics Department
Classification: Likely pathogenic for Brody myopathy. Last evaluated: 2026-01-02. Review status: criteria provided, single submitter. Criteria: ACMG Guidelines, 2015. Collection method: clinical testing. Allele origin: germline. Inheritance: Autosomal recessive inheritance. Affected: no. Observed: 1 variant allele.

NM_004320.6(ATP2A1):c.1785_1786insCTAC (p.Val596fs)

Gene: ATP2A1 (ATPase sarcoplasmic/endoplasmic reticulum Ca2+ transporting 1; plus strand). Cytogenetic location: 16p11.2.
Variant type: Insertion.
Coding change: c.1785_1786insCTAC on transcript NM_004320.6 (MANE Select); coding-DNA positions 1785 to 1786, CTAC inserted.
Protein change: p.Val596fs; shifts the reading frame from valine 596.
Molecular consequence: frameshift variant.
Genome position: GRCh38 VCF-style: chr16-28900601-T-TCTAC. GRCh37 (hg19) VCF-style: chr16-28911922-T-TCTAC.
Other names: c.1410_1411insCTAC, p.Val471fs (NM_001286075.2); c.1785_1786insCTAC, p.Val596fs (NM_173201.5); short protein forms V471fs, V596fs.
Identifiers: ClinVar variation 4850638 (VCV004850638.1).
Genomic context (GRCh38, chr16:28,900,601, plus strand): 5'-ATCCCCACCTGACCTGTGGCTCTCTGCTGTATCTCCCCAGACGGACCTGACATTCGTGGG[T>TCTAC]GTAGTGGGCATGCTGGACCCTCCGCGCAAGGAGGTCACGGGCTCCATCCAGCTGTGCCGT-3'